The following is an entry in ClinVar:

ClinVar aggregate classification (germline): Pathogenic/Likely pathogenic. Review status: criteria provided, multiple submitters, no conflicts (2 of 4 stars). 7 submissions from 7 submitters: Pathogenic (3); Likely pathogenic (2). 2 of the submissions do not count toward it. Last evaluated 2025-09-04.

Conditions:
DMD-related disorder. Also called: DMD-related condition.
Cardiovascular phenotype. Identifiers: MedGen CN230736.
Neuromuscular disease caused by qualitative or quantitative defects of dystrophin. Also called: Qualitative or quantitative defects of dystrophin. Identifiers: Orphanet 207085, MedGen C5679787, MONDO:0016147.
Becker muscular dystrophy (BMD). Also called: MUSCULAR DYSTROPHY, PSEUDOHYPERTROPHIC PROGRESSIVE, BECKER TYPE; Becker Muscular Dystrophy (BMD). Identifiers: Orphanet 98895, MedGen C0917713, MONDO:0010311, OMIM 300376.
Duchenne muscular dystrophy (DMD). Also called: MUSCULAR DYSTROPHY, PSEUDOHYPERTROPHIC PROGRESSIVE, DUCHENNE TYPE; Duchenne Muscular Dystrophy (DMD). Identifiers: Orphanet 98896, MedGen C0013264, MONDO:0010679, OMIM 310200.

Submissions (7):

Women's Health and Genetics/Laboratory Corporation of America, LabCorp
Classification: Pathogenic for Neuromuscular disease caused by qualitative or quantitative defects of dystrophin. Last evaluated: 2025-09-04. Review status: criteria provided, single submitter. Criteria: LabCorp Variant Classification Summary - May 2015. Collection method: clinical testing. Allele origin: germline.
Comment: Variant summary: DMD c.3432+2036A>G is located at a position not widely known to affect splicing. Several computational tools predict a significant impact on normal splicing: Three predict the variant creates a cryptic 5' donor site. Four predict the variant creates a cryptic 3' acceptor site. Two predict the variant abolishes a cryptic 3' acceptor site. At least one publication reports experimental evidence that this variant affects mRNA splicing, showing this variant results in inclusion of a pseudoexon and introduces a premature termination codon (Tuffery-Giraud_2003). The variant was absent in 111274 control chromosomes. c.3432+2036A>G has been observed in individuals affected with Becker Muscular Dystrophy (e.g., Tuffery-Giraud_2003, deFeraudy_2021, Wojcik_2024, Riguzzi_2025). These data indicate that the variant is likely to be associated with disease. The following publications have been ascertained in the context of this evaluation (PMID: 12754707, 38838312, 33159473, 40483375). ClinVar contains an entry for this variant (Variation ID: 455893). Based on the evidence outlined above, the variant was classified as pathogenic.

GeneDx
Classification: Pathogenic. Last evaluated: 2025-04-23. Review status: criteria provided, single submitter. Criteria: GeneDx Variant Classification Process June 2021. Collection method: clinical testing. Allele origin: germline. Affected: yes.
Comment: No data available from control populations to assess the frequency of this variant; In silico analysis supports a deleterious effect on splicing; This variant is associated with the following publications: (PMID: 28597072, 31443951, 12754707, 19823873, 16770791, 33050418)

Labcorp Genetics (formerly Invitae), Labcorp
Classification: Pathogenic for Duchenne muscular dystrophy. Last evaluated: 2024-06-13. Review status: criteria provided, single submitter. Criteria: Invitae Variant Classification Sherloc (09022015). Collection method: clinical testing. Allele origin: germline.
Comment: This sequence change falls in intron 25 of the DMD gene. It does not directly change the encoded amino acid sequence of the DMD protein. RNA analysis indicates that this variant induces altered splicing and may result in an absent or disrupted protein product. The frequency data for this variant in the population databases is considered unreliable, as metrics indicate insufficient coverage at this position in the gnomAD database. This variant has been observed in individuals with features of Becker muscular dystrophy (PMID: 12754707, 16770791). This variant is also known as IVS25+2036A>G. ClinVar contains an entry for this variant (Variation ID: 455893). Studies have shown that this variant results in inclusion of a pseudoexon and introduces a premature termination codon (PMID: 12754707). The resulting mRNA is expected to undergo nonsense-mediated decay. For these reasons, this variant has been classified as Pathogenic.

Ambry Genetics
Classification: Likely pathogenic for Cardiovascular phenotype. Last evaluated: 2020-07-10. Review status: criteria provided, single submitter. Criteria: Ambry Variant Classification Scheme 2023. Collection method: clinical testing. Allele origin: germline.
Comment: The c.3432+2036A>G intronic variant results from an A to G substitution 2036 nucleotides after coding exon 25 in the DMD gene. This variant was reported in a Becker muscular dystrophy case with milder phenotype, including elevated serum CK level, proximal muscle weakness, and calf enlargement; RNA studies showed a mix of normal and abnormally spliced transcripts which incorporated an out-of-frame pseudoexon within the intron (Tuffery-Giraud S et al. Hum. Mutat., 2003 Jun;21:608-14). This nucleotide position is well conserved in available vertebrate species. Using the BDGP and ESEfinder splice site prediction tools, this alteration is predicted to create new alternate splice acceptor and donor sites; however, direct evidence is unavailable. Based on the majority of available evidence to date, this variant is likely to be pathogenic.

Broad Center for Mendelian Genomics, Broad Institute of MIT and Harvard
Classification: Likely pathogenic for Duchenne muscular dystrophy. Last evaluated: 2020-06-03. Review status: criteria provided, single submitter. Criteria: ACMG Guidelines, 2015. Collection method: curation. Allele origin: germline. Inheritance: X-linked inheritance.
Comment: The variant has been reported in 3 individuals of with Becker muscular dystrophy (PMID: 12754707; LOVD, PMID: 16770791), and was absent from large population studies. This variant has also been reported in ClinVar (Variation ID: 455893) as likely pathogenic by Invitae. In vitro functional studies provide some evidence that the c.3432+2036A>G variant may impact protein function (PMID: 12754707). However, these types of assays may not accurately represent biological function. Computational prediction tools and conservation analyses suggest that this variant may impact the protein, though this information is not predictive enough to determine pathogenicity. In summary, although additional studies are required to fully establish its clinical significance, this variant is likely pathogenic for Becker muscular dystrophy. ACMG/AMP Criteria applied: PM2, PP3, PS3_supporting, PS4_moderate (Richards 2015).

PreventionGenetics, part of Exact Sciences
Classification: Likely pathogenic for DMD-related condition. Last evaluated: 2024-01-24. Review status: no assertion criteria provided. Collection method: clinical testing. Allele origin: germline. Not counted in ClinVar's aggregate classification.
Comment: The DMD c.3432+2036A>G variant is predicted to interfere with splicing. mRNA studies in patient's muscle tissue showed that this variant results in the activation of an intronic pseudoexon leading to a frameshift and premature termination codon. Of note, a mixture of normal spliced transcript was also found in the patient's muscle tissues, suggested by the authors explaining a milder phenotype (Tuffery-Giraud et al. 2003. PubMed ID: 12754707). This variant has not been reported in a large population database, indicating this variant is rare. This variant is interpreted as likely pathogenic.

OMIM
Classification: Pathogenic for BECKER MUSCULAR DYSTROPHY. Last evaluated: 2003-06-01. Review status: no assertion criteria provided. Collection method: literature only. Allele origin: germline. Not counted in ClinVar's aggregate classification.

Literature cited by the submitters: PubMed 40483375 (cited by Women's Health and Genetics/Laboratory Corporation of America, LabCorp); PubMed 38838312 (cited by Women's Health and Genetics/Laboratory Corporation of America, LabCorp); PubMed 12754707 (cited by 5 submitters); PubMed 33159473 (cited by Women's Health and Genetics/Laboratory Corporation of America, LabCorp); PubMed 16770791 (cited by Labcorp Genetics (formerly Invitae), Labcorp).

NM_004006.3(DMD):c.3432+2036A>G

Gene: DMD (dystrophin; minus strand). Cytogenetic location: Xp21.1.
Variant type: single nucleotide variant.
Coding change: c.3432+2036A>G on transcript NM_004006.3 (MANE Select); 2036 bases into the intron after coding-DNA position 3432, A replaced by G.
Molecular consequence: intron variant.
Genome position (GRCh38, 1-based): chrX:32,461,403, T>C on the plus strand (A>G on the coding strand, the complement: DMD is on the minus strand). VCF-style: chrX-32461403-T-C. GRCh37 (hg19) VCF-style: chrX-32479520-T-C.
Other names: IVS25, A-G, +2036; c.3408+2036A>G (NM_000109.4); c.3420+2036A>G (NM_004009.3); c.3063+2036A>G (NM_004010.3); c.3432+2036A>G (NM_004006.2).
Identifiers: ClinVar variation 455893 (VCV000455893.23), dbSNP rs182575709, ClinGen allele CA658658948.